The following is an entry in ClinVar:

NM_001110556.2(FLNA):c.4540A>G (p.Ser1514Gly)

Gene: FLNA (filamin A; minus strand). Cytogenetic location: Xq28.
Variant type: single nucleotide variant.
Coding change: c.4540A>G on transcript NM_001110556.2 (MANE Select); coding-DNA position 4540, A replaced by G.
Protein change: p.Ser1514Gly; replaces serine 1514 with glycine.
Molecular consequence: missense variant.
Genome position (GRCh38, 1-based): chrX:154,358,503, T>C on the plus strand (A>G on the coding strand, the complement: FLNA is on the minus strand). VCF-style: chrX-154358503-T-C. GRCh37 (hg19) VCF-style: chrX-153586871-T-C.
Other names: c.4540A>G, p.Ser1514Gly (NM_001456.4); short protein forms S1514G.
Identifiers: ClinVar variation 1315201 (VCV001315201.9), dbSNP rs1259214889, ClinGen allele CA415215544.

ClinVar aggregate classification (germline): Uncertain significance. Review status: criteria provided, multiple submitters, no conflicts (2 of 4 stars). 2 submissions from 2 submitters: Uncertain significance (2). Last evaluated 2025-06-29.

Conditions:
Heterotopia, periventricular, X-linked dominant (PVNH1). Also called: PERIVENTRICULAR NODULAR HETEROTOPIA 1; X-linked periventricular heterotopia; PERIVENTRICULAR NODULAR HETEROTOPIA 4; HETEROTOPIA, PERIVENTRICULAR, 1. Identifiers: Orphanet 2149, Orphanet 82004, MedGen C1848213, MONDO:0010233, OMIM 300049.
Oto-palato-digital syndrome, type II (OPD2). Also called: OPD II SYNDROME; Otopalatodigital Syndrome, Type II; Otopalatodigital Syndrome Type 2 (FLNA-OPD2); FACIOPALATOOSSEOUS SYNDROME. Identifiers: Orphanet 669, Orphanet 90652, MedGen C1844696, MONDO:0010571, OMIM 304120.
Melnick-Needles syndrome (MNS). Also called: MELNICK-NEEDLES OSTEODYSPLASTY; OSTEODYSPLASTY OF MELNICK AND NEEDLES; Melnick-Needles Syndrome (FLNA-MNS). Identifiers: Orphanet 2484, MedGen C0025237, MONDO:0010650, OMIM 309350.
Frontometaphyseal dysplasia (FMD1). Identifiers: Orphanet 1826, MedGen C0265293, MONDO:0015942.

Allele frequency attached by ClinVar (database versions not stated): gnomAD exomes below 0.00001; gnomAD 0.00003; TOPMed 0.00003.

Submissions (2):

Labcorp Genetics (formerly Invitae), Labcorp
Classification: Uncertain significance for Oto-palato-digital syndrome, type II; Heterotopia, periventricular, X-linked dominant; Frontometaphyseal dysplasia; Melnick-Needles syndrome. Last evaluated: 2025-06-29. Review status: criteria provided, single submitter. Criteria: Invitae Variant Classification Sherloc (09022015). Collection method: clinical testing. Allele origin: germline.
Comment: This sequence change replaces serine, which is neutral and polar, with glycine, which is neutral and non-polar, at codon 1514 of the FLNA protein (p.Ser1514Gly). This variant is not present in population databases (gnomAD no frequency). This variant has not been reported in the literature in individuals affected with FLNA-related conditions. ClinVar contains an entry for this variant (Variation ID: 1315201). Invitae Evidence Modeling of protein sequence and biophysical properties (such as structural, functional, and spatial information, amino acid conservation, physicochemical variation, residue mobility, and thermodynamic stability) indicates that this missense variant is not expected to disrupt FLNA protein function with a negative predictive value of 95%. In summary, the available evidence is currently insufficient to determine the role of this variant in disease. Therefore, it has been classified as a Variant of Uncertain Significance.

GeneDx
Classification: Uncertain significance. Last evaluated: 2020-02-06. Review status: criteria provided, single submitter. Criteria: GeneDx Variant Classification Process June 2021. Collection method: clinical testing. Allele origin: germline. Affected: yes.
Comment: Not observed in large population cohorts (Lek et al., 2016); In silico analysis supports that this missense variant does not alter protein structure/function; Has not been previously published as pathogenic or benign to our knowledge